The following is an entry in ClinVar:

NM_032043.3(BRIP1):c.2388A>G (p.Leu796=)

Gene: BRIP1 (BRCA1 interacting DNA helicase 1; minus strand). Cytogenetic location: 17q23.2.
Variant type: single nucleotide variant.
Coding change: c.2388A>G on transcript NM_032043.3 (MANE Select); coding-DNA position 2388, A replaced by G.
Protein change: p.Leu796=; no amino-acid change (leucine 796 retained).
Molecular consequence: synonymous variant.
Genome position (GRCh38, 1-based): chr17:61,716,055, T>C on the plus strand (A>G on the coding strand, the complement: BRIP1 is on the minus strand). VCF-style: chr17-61716055-T-C. GRCh37 (hg19) VCF-style: chr17-59793416-T-C.
Identifiers: ClinVar variation 384513 (VCV000384513.11), dbSNP rs1057521977, ClinGen allele CA16607744.
Genomic context (GRCh38, chr17:61,716,055, plus strand): 5'-CCACTGACGGCCAGGTAGAAGACCTCTCAATTTTGAATGGTGGTCATTGTATTGTCGTTT[T>C]AGTTCAACCTAATAATTTTAAAATATATTTAAAAAATTAGTAGATAATTAAAGCTCATTT-3'
Protein context (NP_114432.2, residues 786-806): FPNVKDLQVE[Leu796=]KRQYNDHHSK

ClinVar aggregate classification (germline): Likely benign. Review status: criteria provided, multiple submitters, no conflicts (2 of 4 stars). 3 submissions from 3 submitters: Likely benign (3). Last evaluated 2023-07-29.

Conditions:
Familial cancer of breast. Also called: BREAST CANCER, FAMILIAL; hereditary breast carcinoma; Hereditary breast cancer. Identifiers: Orphanet 227535, MedGen C0346153, MONDO:0016419, OMIM 114480. Disease mechanism: loss of function.
Fanconi anemia complementation group J. Also called: BRIP1-Related Fanconi Anemia. Identifiers: Orphanet 84, MedGen C1836860, MONDO:0012187, OMIM 609054.
Hereditary cancer-predisposing syndrome. Also called: Neoplastic Syndromes, Hereditary; Hereditary neoplastic syndrome; Tumor predisposition; Hereditary Cancer Syndrome. Identifiers: Orphanet 140162, MedGen C0027672, MeSH D009386, MONDO:0015356.

Allele frequency attached by ClinVar (database versions not stated): gnomAD exomes below 0.00001.
gnomAD v4.1: 1 of 1,579,572 alleles (0.000063%); highest among the groups gnomAD compares: Non-Finnish European, 0.000086%; no homozygotes.

Submissions (3):

Labcorp Genetics (formerly Invitae), Labcorp
Classification: Likely benign for Familial cancer of breast; Fanconi anemia complementation group J. Last evaluated: 2023-07-29. Review status: criteria provided, single submitter. Criteria: Invitae Variant Classification Sherloc (09022015). Collection method: clinical testing. Allele origin: germline.

Ambry Genetics
Classification: Likely benign for Hereditary cancer-predisposing syndrome. Last evaluated: 2023-02-28. Review status: criteria provided, single submitter. Criteria: Ambry Variant Classification Scheme 2023. Collection method: clinical testing. Allele origin: germline.

GeneDx
Classification: Likely benign. Last evaluated: 2016-03-07. Review status: criteria provided, single submitter. Criteria: GeneDx Variant Classification (06012015). Collection method: clinical testing. Allele origin: germline. Affected: yes.
Comment: This variant is considered likely benign or benign based on one or more of the following criteria: it is a conservative change, it occurs at a poorly conserved position in the protein, it is predicted to be benign by multiple in silico algorithms, and/or has population frequency not consistent with disease.